The following is an entry in ClinVar:

NM_024675.4(PALB2):c.1038_1041del (p.Lys346fs)

Gene: PALB2 (partner and localizer of BRCA2; minus strand). Cytogenetic location: 16p12.2.
Variant type: Deletion.
Coding change: c.1038_1041del on transcript NM_024675.4 (MANE Select); coding-DNA positions 1038 to 1041, 4 bases deleted (AGAA; older notation c.1038_1041delAGAA).
Protein change: p.Lys346fs; shifts the reading frame from lysine 346.
Molecular consequence: frameshift variant.
Genome position (GRCh38, 1-based): chr16:23,635,505-23,635,508, TTCT deleted on the plus strand (AGAA on the coding strand, the reverse complement: PALB2 is on the minus strand); deleting any 4 consecutive bases within chr16:23,635,505-23,635,510 gives the same sequence; the c. name uses the placement nearest the transcript's 3' end. VCF-style (leftmost placement, unchanged base first): chr16-23635504-GTTCT-G. GRCh37 (hg19) VCF-style: chr16-23646825-GTTCT-G.
Other names: short protein forms K346fs.
Identifiers: ClinVar variation 830127 (VCV000830127.1), dbSNP rs1966999709, ClinGen allele CA916081812.

ClinVar aggregate classification (germline): Pathogenic (0 of 4 stars; one submission).

Submission:

Leiden Open Variation Database
Classification: Pathogenic. Last evaluated: 2018-10-10. Review status: no assertion criteria provided. Collection method: curation. Allele origin: germline. Affected: yes.
Comment: Curators: Marc Tischkowitz, Arleen D. Auerbach. Submitter to LOVD: Yukihide Momozawa.

Literature cited by the submitters: PubMed 30287823.